The following is an entry in ClinVar:

Conditions:
Long QT syndrome 5 (LQT5). Identifiers: Orphanet 101016, Orphanet 768, MedGen C1867904, MONDO:0013372, OMIM 613695.

Submission:

Roden Lab, Vanderbilt University Medical Center
No classification provided (evidence only). Condition: Long QT syndrome 5. Review status: no classification provided. Collection method: in vitro. Allele origin: not applicable. Functional consequence: Effect on ion channel function.
ClinVar note: "not provided" was previously submitted as the classification for the variant. However, the classification appeared to be based only on an observation of functional data so it was converted to no classification on 2025-07-30.

NM_000219.6(KCNE1):c.348A>G (p.Glu116=)

Gene: KCNE1 (potassium voltage-gated channel subfamily E regulatory subunit 1; minus strand). Cytogenetic location: 21q22.12.
Variant type: single nucleotide variant.
Coding change: c.348A>G on transcript NM_000219.6 (MANE Select); coding-DNA position 348, A replaced by G.
Protein change: p.Glu116=; no amino-acid change (glutamic acid 116 retained).
Molecular consequence: synonymous variant.
Genome position (GRCh38, 1-based): chr21:34,449,287, T>C on the plus strand (A>G on the coding strand, the complement: KCNE1 is on the minus strand). VCF-style: chr21-34449287-T-C. GRCh37 (hg19) VCF-style: chr21-35821585-T-C.
Other names: c.348A>G, p.Glu116= (NM_001127668.4, NM_001127669.4, NM_001127670.4 and 4 more transcripts).
Identifiers: ClinVar variation 3373789 (VCV003373789.2).